The following is an entry in ClinVar:

NM_006269.2(RP1):c.2574del (p.Val859fs)

Gene: RP1 (RP1 axonemal microtubule associated; plus strand). Cytogenetic location: 8q12.1.
Variant type: Deletion.
Coding change: c.2574del on transcript NM_006269.2 (MANE Select); coding-DNA position 2574, one base deleted (A; older notation c.2574delA).
Protein change: p.Val859fs; shifts the reading frame from valine 859.
Molecular consequence: frameshift variant. On other transcripts: intron variant (1).
Genome position (GRCh38, 1-based): chr8:54,626,456, A deleted; the last of 4 consecutive A bases (chr8:54,626,453-54,626,456); deleting any one gives the same sequence. VCF-style (leftmost placement, unchanged base first): chr8-54626452-CA-C. GRCh37 (hg19) VCF-style: chr8-55539012-CA-C.
Other names: c.787+4168del (NM_001375654.1); short protein forms V859fs.
Identifiers: ClinVar variation 1711675 (VCV001711675.34), dbSNP rs2536575548, ClinGen allele CA2580078395.
Genomic context (GRCh38, chr8:54,626,452, plus strand): 5'-AATCTCAAGCAGAAGTGGCATCTGGGTATTTGAGAGGAATGGCAAAGAAGAGTTTAGTTT[CA>C]AAAGTTACTGATTCACACATAACTTTAAAAAGCCAGAAAAAACGTAAAGGGGATAAAGTG-3'

ClinVar aggregate classification (germline): Pathogenic. Review status: criteria provided, multiple submitters, no conflicts (2 of 4 stars). 4 submissions from 4 submitters: Pathogenic (3). 1 of the submissions does not count toward it. Last evaluated 2026-03-06.

Conditions:
Retinitis pigmentosa 1 (RP1). Identifiers: Orphanet 791, MedGen C0220701, MONDO:0008377, OMIM 180100.
Retinal dystrophy. Also called: Inherited retinal dystrophy. Identifiers: Orphanet 71862, MedGen C0854723, MeSH D058499, MONDO:0019118, HP:0000556.

Submissions (4):

Institute of Medical Genetics and Applied Genomics, University Hospital Tübingen
Classification: Pathogenic for Retinitis pigmentosa 1. Last evaluated: 2026-03-06. Review status: criteria provided, single submitter. Criteria: ACMG Guidelines, 2015. Collection method: clinical testing. Allele origin: germline. Inheritance: Autosomal dominant inheritance. Affected: yes.

Labcorp Genetics (formerly Invitae), Labcorp
Classification: Pathogenic. Last evaluated: 2024-09-23. Review status: criteria provided, single submitter. Criteria: Invitae Variant Classification Sherloc (09022015). Collection method: clinical testing. Allele origin: germline.
Comment: This variant disrupts the C-terminus of the RP1 protein. Many variants that disrupt this region have been reported in individuals with either autosomal dominant or autosomal recessive retinitis pigmentosa (PMID: 11527933, 19933189, 29425069, 30027431, 33681214). Therefore, variants that disrupt this region are expected to be disease-causing. This sequence change creates a premature translational stop signal (p.Val859Leufs*6) in the RP1 gene. While this is not anticipated to result in nonsense mediated decay, it is expected to disrupt the last 1298 amino acid(s) of the RP1 protein. This variant is not present in population databases (gnomAD no frequency). This variant has not been reported in the literature in individuals affected with RP1-related conditions. ClinVar contains an entry for this variant (Variation ID: 1711675). This variant disrupts the C-terminus of the RP1 protein. Many variants that disrupt this region have been reported in individuals with either autosomal dominant or autosomal recessive retinitis pigmentosa (PMID: 11527933, 19933189, 29425069, 30027431, 33681214). Therefore, variants that disrupt this region are expected to be disease-causing. For these reasons, this variant has been classified as Pathogenic.

CeGaT Center for Human Genetics Tuebingen
Classification: Pathogenic. Last evaluated: 2022-08-01. Review status: criteria provided, single submitter. Criteria: CeGaT Center For Human Genetics Tuebingen Variant Classification Criteria Version 2. Collection method: clinical testing. Allele origin: germline. Affected: yes. Observed: 1 variant allele.
Comment: RP1: PVS1, PM2

Institute of Human Genetics, Univ. Regensburg, Univ. Regensburg
Classification: Pathogenic for Retinal dystrophy. Last evaluated: 2020-01-01. Review status: no assertion criteria provided. Criteria: ACMG Guidelines, 2015. Collection method: clinical testing. Allele origin: germline. Affected: yes. Not counted in ClinVar's aggregate classification.

Literature cited by the submitters: PubMed 11527933 (cited by Labcorp Genetics (formerly Invitae), Labcorp); PubMed 19933189 (cited by Labcorp Genetics (formerly Invitae), Labcorp); PubMed 29425069 (cited by Labcorp Genetics (formerly Invitae), Labcorp); PubMed 30027431 (cited by Labcorp Genetics (formerly Invitae), Labcorp); PubMed 33681214 (cited by Labcorp Genetics (formerly Invitae), Labcorp).